The following is an entry in ClinVar:

ClinVar aggregate classification (germline): Uncertain significance (1 of 4 stars; one submission).

Conditions:
Familial cancer of breast. Also called: BREAST CANCER, FAMILIAL; Hereditary breast cancer; hereditary breast carcinoma. Identifiers: Orphanet 227535, MedGen C0346153, MONDO:0016419, OMIM 114480. Disease mechanism: loss of function.

Submission:

Labcorp Genetics (formerly Invitae), Labcorp
Classification: Uncertain significance for Familial cancer of breast. Last evaluated: 2020-09-09. Review status: criteria provided, single submitter. Criteria: Invitae Variant Classification Sherloc (09022015). Collection method: clinical testing. Allele origin: germline.
Comment: This variant, c.46_72delAGTGCCTGTTCACAGCCCCATGGCAGC, results in the deletion of 9 amino acids of the CHEK2 protein (p.Ser16_Ser24del), but otherwise preserves the integrity of the reading frame. This variant is not present in population databases (ExAC no frequency). This variant has not been reported in the literature in individuals with CHEK2-related disease. Experimental studies and prediction algorithms are not available for this variant, and the functional significance of the deleted amino acids is currently unknown. In summary, the available evidence is currently insufficient to determine the role of this variant in disease. Therefore, it has been classified as a Variant of Uncertain Significance.

NM_007194.4(CHEK2):c.46_72del (p.Ser16_Ser24del)

Gene: CHEK2 (checkpoint kinase 2; minus strand). Cytogenetic location: 22q12.1.
Variant type: Deletion.
Coding change: c.46_72del on transcript NM_007194.4 (MANE Select); coding-DNA positions 46 to 72, 27 bases deleted (AGTGCCTGTTCACAGCCCCATGGCAGC).
Protein change: p.Ser16_Ser24del.
Molecular consequence: inframe deletion. On other transcripts: inframe indel (3).
Genome position (GRCh38, 1-based): chr22:28,734,650-28,734,676, GCTGCCATGGGGCTGTGAACAGGCACT deleted on the plus strand (AGTGCCTGTTCACAGCCCCATGGCAGC on the coding strand, the reverse complement: CHEK2 is on the minus strand); deleting any 27 consecutive bases within chr22:28,734,650-28,734,685 gives the same sequence; the c. name uses the placement nearest the transcript's 3' end. VCF-style (leftmost placement, unchanged base first): chr22-28734649-CGCTGCCATGGGGCTGTGAACAGGCACT-C. GRCh37 (hg19) VCF-style: chr22-29130637-CGCTGCCATGGGGCTGTGAACAGGCACT-C.
Other names: c.37_63del27, p.Ser16_Ser24del (NM_001005735.3, NM_001349956.3, NM_145862.3); c.-741_-715del27 (NM_001257387.3).
Identifiers: ClinVar variation 530039 (VCV000530039.9), dbSNP rs1555932835, ClinGen allele CA658799529.